The following is an entry in ClinVar:

NM_001378615.1(CC2D2A):c.286G>A (p.Ala96Thr)

Genes: CC2D2A (coiled-coil and C2 domain containing 2A; plus strand), FBXL5 (F-box and leucine rich repeat protein 5; minus strand). Cytogenetic location: 4p15.32.
Variant type: single nucleotide variant.
Coding change: c.286G>A on transcript NM_001378615.1 (MANE Select); coding-DNA position 286, G replaced by A.
Protein change: p.Ala96Thr; replaces alanine 96 with threonine.
Molecular consequence: missense variant.
Genome position (GRCh38, 1-based): chr4:15,502,467, G>A. VCF-style: chr4-15502467-G-A. GRCh37 (hg19) VCF-style: chr4-15504090-G-A.
Other names: c.286G>A, p.Ala96Thr (NM_001080522.2); c.139G>A, p.Ala47Thr (NM_001378617.1); short protein forms A96T, A47T.
Identifiers: ClinVar variation 420568 (VCV000420568.9), dbSNP rs376438052, ClinGen allele CA2863359.
Genomic context (GRCh38, chr4:15,502,467, plus strand): 5'-TGTTTTTGTTTTTGTTTTTTAGGCTTACCTCCAATTCCTTCAACTTCCAGAACAGGCTTT[G>A]CAGAATTTTCCATGAGGGGACGCATGAGGGAGAAATTGCAAGCAGCGAGGGTGAGAGAAA-3'
Protein context (NP_001365544.1, residues 86-106): PIPSTSRTGF[Ala96Thr]EFSMRGRMRE

ClinVar aggregate classification (germline): Conflicting classifications of pathogenicity. Review status: criteria provided, conflicting classifications (1 of 4 stars). 3 submissions from 3 submitters: Uncertain significance (1); Likely benign (2). Last evaluated 2026-07-02.

Conditions:
Meckel-Gruber syndrome. Also called: Dysencephalia splachnocystica; DYSENCEPHALIA SPLANCHNOCYSTICA; GRUBER SYNDROME. Identifiers: Orphanet 564, MedGen C0265215, MONDO:0018921.
Joubert syndrome. Also called: Familial aplasia of the vermis; JOUBERT-BOLTSHAUSER SYNDROME. Identifiers: Orphanet 475, MedGen C5979921, MONDO:0018772.
Inborn genetic diseases. Identifiers: MedGen C0950123, MeSH D030342.

Allele frequency attached by ClinVar (database versions not stated): gnomAD exomes below 0.00001 and 0.00002; ExAC 0.00002; gnomAD 0.00006 and 0.00007; ESP Exome Variant Server 0.00008; TOPMed 0.00009.
gnomAD v4.1: 13 of 1,607,680 alleles (0.00081%); highest among the groups gnomAD compares: African/African-American, 0.015%; no homozygotes.

Submissions (3):

Ambry Genetics
Classification: Likely benign for Inborn genetic diseases. Last evaluated: 2026-07-02. Review status: criteria provided, single submitter. Criteria: Ambry Variant Classification Scheme 2023. Collection method: clinical testing. Allele origin: germline.

Labcorp Genetics (formerly Invitae), Labcorp
Classification: Likely benign for Joubert syndrome; Meckel-Gruber syndrome. Last evaluated: 2025-09-15. Review status: criteria provided, single submitter. Criteria: Invitae Variant Classification Sherloc (09022015). Collection method: clinical testing. Allele origin: germline.

GeneDx
Classification: Uncertain significance. Last evaluated: 2016-03-14. Review status: criteria provided, single submitter. Criteria: GeneDx Variant Classification (06012015). Collection method: clinical testing. Allele origin: germline. Affected: yes.
Comment: A variant of uncertain significance has been identified in the CC2D2A gene. The A96T variant has not been published as a pathogenic variant, nor has it been reported as a benign variant to our knowledge. The A96T variant was not observed with any significant frequency in approximately 5,900 individuals of European and African American ancestry in the NHLBI Exome Sequencing Project. The A96T variant is a non-conservative amino acid substitution, which is likely to impact secondary protein structure as these residues differ in polarity, charge, size and/or other properties. This substitution occurs at a position where amino acids with similar properties to Alanine are tolerated across species. However, missense variants in nearby residues have not been reported in the Human Gene Mutation Database in association with CC2D2A-related disorders (Stenson et al., 2014). In silico analysis is inconsistent in its predictions as to whether or not the variant is damaging to the protein structure/function. Therefore, based on the currently available information, it is unclear whether this variant is a pathogenic variant or a rare benign variant.